The following is an entry in ClinVar:

NM_006506.5(RASA2):c.2432A>G (p.Gln811Arg)

Gene: RASA2 (RAS p21 protein activator 2; plus strand). Cytogenetic location: 3q23.
Variant type: single nucleotide variant.
Coding change: c.2432A>G on transcript NM_006506.5 (MANE Select); coding-DNA position 2432, A replaced by G.
Protein change: p.Gln811Arg; replaces glutamine 811 with arginine.
Molecular consequence: missense variant.
Genome position (GRCh38, 1-based): chr3:141,609,979, A>G. VCF-style: chr3-141609979-A-G. GRCh37 (hg19) VCF-style: chr3-141328821-A-G.
Other names: c.2435A>G, p.Gln812Arg (NM_001303245.3); c.2444A>G, p.Gln815Arg (NM_001303246.3); short protein forms Q811R, Q812R, Q815R.
Identifiers: ClinVar variation 1345117 (VCV001345117.8), dbSNP rs2107803295, ClinGen allele CA354777614.
Genomic context (GRCh38, chr3:141,609,979, plus strand): 5'-AGCCTGATGATTATTCTAACTTTGTAATCGAGGATTCTGTAACAACCTTTAAGACAATTC[A>G]GCAAATAAAAAGCATAATTGAGAAGCTGGATGAACCTCATGAAAAATATAGGAAGAAAAG-3'
Protein context (NP_006497.2, residues 801-821): EDSVTTFKTI[Gln811Arg]QIKSIIEKLD

ClinVar aggregate classification (germline): Uncertain significance. Review status: criteria provided, multiple submitters, no conflicts (2 of 4 stars). 2 submissions from 2 submitters: Uncertain significance (2). Last evaluated 2025-02-20.

Allele frequency attached by ClinVar (database versions not stated): gnomAD exomes 0.00001.
gnomAD v4.1: 7 of 1,606,050 alleles (0.00044%); highest among the groups gnomAD compares: Non-Finnish European, 0.0006%; no homozygotes.

Submissions (2):

Labcorp Genetics (formerly Invitae), Labcorp
Classification: Uncertain significance. Last evaluated: 2025-02-20. Review status: criteria provided, single submitter. Criteria: Invitae Variant Classification Sherloc (09022015). Collection method: clinical testing. Allele origin: germline.
Comment: This sequence change replaces glutamine, which is neutral and polar, with arginine, which is basic and polar, at codon 811 of the RASA2 protein (p.Gln811Arg). This variant is not present in population databases (gnomAD no frequency). This variant has not been reported in the literature in individuals affected with RASA2-related conditions. ClinVar contains an entry for this variant (Variation ID: 1345117). Invitae Evidence Modeling of protein sequence and biophysical properties (such as structural, functional, and spatial information, amino acid conservation, physicochemical variation, residue mobility, and thermodynamic stability) indicates that this missense variant is not expected to disrupt RASA2 protein function with a negative predictive value of 80%. In summary, the available evidence is currently insufficient to determine the role of this variant in disease. Therefore, it has been classified as a Variant of Uncertain Significance.

Ambry Genetics
Classification: Uncertain significance. Last evaluated: 2022-01-19. Review status: criteria provided, single submitter. Criteria: Ambry Variant Classification Scheme 2023. Collection method: clinical testing. Allele origin: germline.
Comment: The p.Q811R variant (also known as c.2432A>G), located in coding exon 23 of the RASA2 gene, results from an A to G substitution at nucleotide position 2432. The glutamine at codon 811 is replaced by arginine, an amino acid with highly similar properties. This amino acid position is conserved. In addition, this alteration is predicted to be tolerated by in silico analysis. Since supporting evidence is limited at this time, the clinical significance of this alteration remains unclear.